The following is an entry in ClinVar:

ClinVar aggregate classification (germline): Uncertain significance (1 of 4 stars; one submission).

Submission:

GeneDx
Classification: Uncertain significance. Last evaluated: 2022-11-23. Review status: criteria provided, single submitter. Criteria: GeneDx Variant Classification Process June 2021. Collection method: clinical testing. Allele origin: germline. Affected: yes.
Comment: Not observed at significant frequency in large population cohorts (gnomAD); In silico analysis supports a deleterious effect on protein structure/function; Has not been previously published as pathogenic or benign to our knowledge

NM_004046.6(ATP5F1A):c.563_564inv (p.Pro188Leu)

Gene: ATP5F1A (ATP synthase F1 subunit alpha; minus strand). Cytogenetic location: 18q21.1.
Variant type: Inversion.
Coding change: c.563_564inv on transcript NM_004046.6 (MANE Select).
Protein change: p.Pro188Leu; replaces proline 188 with leucine.
Molecular consequence: missense variant.
Genome position: GRCh38 VCF-style: chr18-46089652-TG-CA. GRCh37 (hg19) VCF-style: chr18-43669618-TG-CA.
Other names: c.413_414inv, p.Pro138Leu (NM_001001935.3, NM_001257335.2); c.563_564inv, p.Pro188Leu (NM_001001937.2); c.497_498inv, p.Pro166Leu (NM_001257334.2); short protein forms P138L, P166L, P188L.
Identifiers: ClinVar variation 2503212 (VCV002503212.1), ClinGen allele CA2580612989.